The following is an entry in ClinVar:

ClinVar aggregate classification (germline): Uncertain significance (1 of 4 stars; one submission).

gnomAD v4.1: 2 of 1,612,050 alleles (0.00012%); highest among the groups gnomAD compares: Non-Finnish European, 0.000085%; no homozygotes.

Submission:

Ambry Genetics
Classification: Uncertain significance. Last evaluated: 2025-02-16. Review status: criteria provided, single submitter. Criteria: Ambry Variant Classification Scheme 2023. Collection method: clinical testing. Allele origin: germline.
Comment: The p.I876T variant (also known as c.2627T>C), located in coding exon 11 of the WNK2 gene, results from a T to C substitution at nucleotide position 2627. The isoleucine at codon 876 is replaced by threonine, an amino acid with similar properties. This amino acid position is conserved. In addition, the in silico prediction for this alteration is inconclusive. Based on the available evidence, the clinical significance of this variant remains unclear.

NM_006648.4(WNK2):c.2627T>C (p.Ile876Thr)

Gene: WNK2 (WNK lysine deficient protein kinase 2; plus strand). Cytogenetic location: 9q22.31.
Variant type: single nucleotide variant.
Coding change: c.2627T>C on transcript NM_006648.4 (MANE Select); coding-DNA position 2627, T replaced by C.
Protein change: p.Ile876Thr; replaces isoleucine 876 with threonine.
Molecular consequence: missense variant.
Genome position (GRCh38, 1-based): chr9:93,259,175, T>C. VCF-style: chr9-93259175-T-C. GRCh37 (hg19) VCF-style: chr9-96021457-T-C.
Other names: c.2627T>C, p.Ile876Thr (NM_001282394.3); short protein forms I876T.
Identifiers: ClinVar variation 3817095 (VCV003817095.1).